The following is an entry in ClinVar:

ClinVar aggregate classification (germline): Uncertain significance (1 of 4 stars; one submission).

Submission:

Labcorp Genetics (formerly Invitae), Labcorp
Classification: Uncertain significance. Last evaluated: 2024-12-12. Review status: criteria provided, single submitter. Criteria: Invitae Variant Classification Sherloc (09022015). Collection method: clinical testing. Allele origin: germline.
Comment: This sequence change falls in intron 21 of the CYFIP2 gene. It does not directly change the encoded amino acid sequence of the CYFIP2 protein. It affects a nucleotide within the consensus splice site. This variant is not present in population databases (gnomAD no frequency). This variant has not been reported in the literature in individuals affected with CYFIP2-related conditions. Variants that disrupt the consensus splice site are a relatively common cause of aberrant splicing (PMID: 17576681, 9536098). Algorithms developed to predict the effect of sequence changes on RNA splicing suggest that this variant is not likely to affect RNA splicing. In summary, the available evidence is currently insufficient to determine the role of this variant in disease. Therefore, it has been classified as a Variant of Uncertain Significance.

Literature cited by the submitters: PubMed 17576681; PubMed 9536098.

NM_001037333.3(CYFIP2):c.2385+3A>G

Gene: CYFIP2 (cytoplasmic FMR1 interacting protein 2; plus strand). Cytogenetic location: 5q33.3.
Variant type: single nucleotide variant.
Coding change: c.2385+3A>G on transcript NM_001037333.3 (MANE Select); 3 bases into the intron after coding-DNA position 2385, A replaced by G.
Molecular consequence: intron variant.
Genome position (GRCh38, 1-based): chr5:157,333,449, A>G. VCF-style: chr5-157333449-A-G. GRCh37 (hg19) VCF-style: chr5-156760457-A-G.
Other names: c.2460+3A>G (NM_001291722.2); c.2307+3A>G (NM_001291721.2); c.2385+3A>G (NM_014376.4).
Identifiers: ClinVar variation 3673669 (VCV003673669.2).